The following is an entry in ClinVar:

ClinVar aggregate classification (germline): Uncertain significance. Review status: criteria provided, multiple submitters, no conflicts (2 of 4 stars). 3 submissions from 3 submitters: Uncertain significance (3). Last evaluated 2022-09-07.

Conditions:
Inborn genetic diseases. Identifiers: MedGen C0950123, MeSH D030342.
Familial hemophagocytic lymphohistiocytosis 2 (FHL2). Also called: PRF1-Related Familial Hemophagocytic Lymphohistiocytosis (PRF1-fHLH). Identifiers: Orphanet 540, MedGen C1863727, MONDO:0011337, OMIM 603553.

Allele frequency attached by ClinVar (database versions not stated): gnomAD exomes 0.00001; ExAC 0.00002.

Submissions (3):

GeneDx
Classification: Uncertain significance. Last evaluated: 2022-09-07. Review status: criteria provided, single submitter. Criteria: GeneDx Variant Classification Process June 2021. Collection method: clinical testing. Allele origin: germline. Affected: yes.
Comment: In silico analysis supports that this missense variant has a deleterious effect on protein structure/function; Has not been previously published as pathogenic or benign to our knowledge

Ambry Genetics
Classification: Uncertain significance for Inborn genetic diseases. Last evaluated: 2022-06-27. Review status: criteria provided, single submitter. Criteria: Ambry Variant Classification Scheme 2023. Collection method: clinical testing. Allele origin: germline.

Labcorp Genetics (formerly Invitae), Labcorp
Classification: Uncertain significance for Familial hemophagocytic lymphohistiocytosis 2. Last evaluated: 2022-05-28. Review status: criteria provided, single submitter. Criteria: Invitae Variant Classification Sherloc (09022015). Collection method: clinical testing. Allele origin: germline.
Comment: This sequence change replaces aspartic acid, which is acidic and polar, with asparagine, which is neutral and polar, at codon 313 of the PRF1 protein (p.Asp313Asn). This variant is present in population databases (rs777299577, gnomAD 0.004%). This variant has not been reported in the literature in individuals affected with PRF1-related conditions. Algorithms developed to predict the effect of missense changes on protein structure and function are either unavailable or do not agree on the potential impact of this missense change (SIFT: "Tolerated"; PolyPhen-2: "Possibly Damaging"; Align-GVGD: "Class C0"). In summary, the available evidence is currently insufficient to determine the role of this variant in disease. Therefore, it has been classified as a Variant of Uncertain Significance.

NM_001083116.3(PRF1):c.937G>A (p.Asp313Asn)

Gene: PRF1 (perforin 1; minus strand). Cytogenetic location: 10q22.1.
Variant type: single nucleotide variant.
Coding change: c.937G>A on transcript NM_001083116.3 (MANE Select); coding-DNA position 937, G replaced by A.
Protein change: p.Asp313Asn; replaces aspartic acid 313 with asparagine.
Molecular consequence: missense variant.
Genome position (GRCh38, 1-based): chr10:70,598,784, C>T on the plus strand (G>A on the coding strand, the complement: PRF1 is on the minus strand). VCF-style: chr10-70598784-C-T. GRCh37 (hg19) VCF-style: chr10-72358540-C-T.
Other names: c.937G>A, p.Asp313Asn (NM_005041.6); short protein forms D313N.
Identifiers: ClinVar variation 2297860 (VCV002297860.6), dbSNP rs777299577, ClinGen allele CA5538876.
Genomic context (GRCh38, chr10:70,598,784, plus strand): 5'-GCAGCGAGTTTACCCAGGCTGAGTACTGCTCGGGCCCGGCCTGGATCCCGAACAGCAGGT[C>T]GTTAATGGAGGTGTGATGGCCGCCAACCACTTCCGAGTGGCGCTCCCGGTAGGTTTGGTG-3'
Protein context (NP_001076585.1, residues 303-323): VVGGHHTSIN[Asp313Asn]LLFGIQAGPE